The following is an entry in ClinVar:

ClinVar aggregate classification (germline): Likely pathogenic (1 of 4 stars; one submission).

Conditions:
Primary ciliary dyskinesia. Also called: Ciliary dyskinesia. Identifiers: Orphanet 244, MedGen C0008780, MONDO:0016575, HP:0012265.

Allele frequency attached by ClinVar (database versions not stated): ExAC 0.00001; gnomAD exomes 0.00001; gnomAD 0.00002; TOPMed 0.00002.
gnomAD v4.1: 23 of 1,590,286 alleles (0.0014%); highest among the groups gnomAD compares: African/African-American, 0.0027%; no homozygotes.

Submission:

Labcorp Genetics (formerly Invitae), Labcorp
Classification: Likely pathogenic for Primary ciliary dyskinesia. Last evaluated: 2026-01-08. Review status: criteria provided, single submitter. Criteria: Invitae Variant Classification Sherloc (09022015). Collection method: clinical testing. Allele origin: germline.
Comment: This sequence change affects a donor splice site in intron 88 of the DNAH8 gene. It is expected to disrupt RNA splicing. Variants that disrupt the donor or acceptor splice site typically lead to a loss of protein function (PMID: 16199547), and loss-of-function variants in DNAH8 are known to be pathogenic (PMID: 24307375, 32619401, 32681648). The frequency data for this variant in the population databases is considered unreliable, as metrics indicate poor data quality at this position in the gnomAD database. This variant has not been reported in the literature in individuals affected with DNAH8-related conditions. ClinVar contains an entry for this variant (Variation ID: 2714629). Algorithms developed to predict the effect of sequence changes on RNA splicing suggest that this variant may disrupt the consensus splice site. In summary, the currently available evidence indicates that the variant is pathogenic, but additional data are needed to prove that conclusively. Therefore, this variant has been classified as Likely Pathogenic.

Literature cited by the submitters: PubMed 16199547; PubMed 24307375; PubMed 32619401; PubMed 32681648.

NM_001206927.2(DNAH8):c.13214+1G>A

Gene: DNAH8 (dynein axonemal heavy chain 8; plus strand). Cytogenetic location: 6p21.2.
Variant type: single nucleotide variant.
Coding change: c.13214+1G>A on transcript NM_001206927.2 (MANE Select); the canonical splice donor site of the intron after coding-DNA position 13214, G replaced by A.
Molecular consequence: splice donor variant.
Genome position (GRCh38, 1-based): chr6:38,990,173, G>A. VCF-style: chr6-38990173-G-A. GRCh37 (hg19) VCF-style: chr6-38957949-G-A.
Other names: c.12563+1G>A (NM_001371.4).
Identifiers: ClinVar variation 2714629 (VCV002714629.3), dbSNP rs748507521, ClinGen allele CA3791595.